The following is an entry in ClinVar:

ClinVar aggregate classification (germline): Benign (1 of 4 stars; one submission).

Conditions:
Disorders of Intracellular Cobalamin Metabolism. Identifiers: MedGen CN043592.

Allele frequency attached by ClinVar (database versions not stated): 1000 Genomes Project 0.00799; 1000 Genomes Project 30x 0.00843; gnomAD exomes 0.01473; gnomAD 0.01625 and 0.01706; TOPMed 0.01666.
gnomAD v4.1: 2,772 of 169,972 alleles (1.6%); highest among the groups gnomAD compares: Non-Finnish European, 2.5%; 35 homozygotes.

Submission:

Illumina Laboratory Services, Illumina
Classification: Benign for Disorders of Intracellular Cobalamin Metabolism. Last evaluated: 2018-01-13. Review status: criteria provided, single submitter. Criteria: ICSL Variant Classification Criteria 13 December 2019. Collection method: clinical testing. Allele origin: germline.
Comment: This variant was observed in the ICSL laboratory as part of a predisposition screen in an ostensibly healthy population. It had not been previously curated by ICSL or reported in the Human Gene Mutation Database (HGMD: prior to June 1st, 2018), and was therefore a candidate for classification through an automated scoring system. Utilizing variant allele frequency, disease prevalence and penetrance estimates, and inheritance mode, an automated score was calculated to assess if this variant is too frequent to cause the disease. Based on the score and internal cut-off values, a variant classified as benign is not then subjected to further curation. The score for this variant resulted in a classification of benign for this disease.

NM_002454.3(MTRR):c.*461T>C

Gene: MTRR (5-methyltetrahydrofolate-homocysteine methyltransferase reductase; plus strand). Cytogenetic location: 5p15.31.
Variant type: single nucleotide variant.
Coding change: c.*461T>C on transcript NM_002454.3 (MANE Select); 461 bases downstream of the stop codon, T replaced by C.
Molecular consequence: 3 prime UTR variant. On other transcripts: non-coding transcript variant (14).
Genome position (GRCh38, 1-based): chr5:7,900,519, T>C. VCF-style: chr5-7900519-T-C. GRCh37 (hg19) VCF-style: chr5-7900632-T-C.
Other names: c.*461T>C (NM_001364440.2, NM_001364441.2, NM_001364442.2 and 1 more transcripts).
Identifiers: ClinVar variation 904711 (VCV000904711.4), dbSNP rs9282788, ClinGen allele CA113818856.